The following is an entry in ClinVar:

ClinVar aggregate classification (germline): Uncertain significance (1 of 4 stars; one submission).

Submission:

ISCA site 14
Classification: Uncertain significance. Last evaluated: 2011-08-12. Review status: criteria provided, single submitter. Criteria: Kaminsky et al. (Genet Med. 2011). Collection method: clinical testing. Allele origin: paternal. Affected: yes. Observed: 1 variant allele.
Comment: Copy number variation identified through the course of routine clinical cytogenomic testing in postnatal populations. Clinical assertions have been curated as described in Kaminsky et al. 2011.

GRCh38/hg38 16p13.11(chr16:14816348-15055158)x1

Genes: MIR1972-1 (microRNA 1972-1; minus strand), MIR3179-1 (microRNA 3179-1), MIR3180-1 (microRNA 3180-1), MIR3670-1 (microRNA 3670-1), MIR6511A1 (microRNA 6511a-1) and 8 more. Cytogenetic location: 16p13.11.
Variant type: copy number loss.
Change: copy number 1 (one copy instead of two) of chr16:14,816,348-15,055,158 (238.8 kb, GRCh38 coordinates, 1-based), cytogenetic band 16p13.11.
Identifiers: ClinVar variation 57537 (VCV000057537.1).